The following is an entry in ClinVar:

NM_000719.7(CACNA1C):c.371+17G>A

Gene: CACNA1C (calcium voltage-gated channel subunit alpha1 C; plus strand). Cytogenetic location: 12p13.33.
Variant type: single nucleotide variant.
Coding change: c.371+17G>A on transcript NM_000719.7 (MANE Select); 17 bases into the intron after coding-DNA position 371, G replaced by A.
Molecular consequence: intron variant.
Genome position (GRCh38, 1-based): chr12:2,115,562, G>A. VCF-style: chr12-2115562-G-A. GRCh37 (hg19) VCF-style: chr12-2224728-G-A.
Other names: c.371+17G>A (NM_001167624.3, NM_001167623.2, NM_001167625.2 and 19 more transcripts).
Identifiers: ClinVar variation 136637 (VCV000136637.19), dbSNP rs78645318, ClinGen allele CA289910.

ClinVar aggregate classification (germline): Benign. Review status: criteria provided, multiple submitters, no conflicts (2 of 4 stars). 4 submissions from 4 submitters: Benign (4). Last evaluated 2026-02-02.

Conditions:
Long QT syndrome (LQTS). Identifiers: MedGen C0023976, MeSH D008133, MONDO:0002442. Disease mechanism: loss of function. Inheritance: Various modes of inheritance.

Allele frequency attached by ClinVar (database versions not stated): gnomAD exomes 0.00068 and 0.00173; ExAC 0.00188; 1000 Genomes Project 0.00519; 1000 Genomes Project 30x 0.00547; ESP Exome Variant Server 0.00676; gnomAD 0.00738 and 0.00797; TOPMed 0.00841.
gnomAD v4.1: 2,174 of 1,611,904 alleles (0.13%); highest among the groups gnomAD compares: African/African-American, 2.6%; 29 homozygotes.

Submissions (4):

Labcorp Genetics (formerly Invitae), Labcorp
Classification: Benign for Long QT syndrome. Last evaluated: 2026-02-02. Review status: criteria provided, single submitter. Criteria: Invitae Variant Classification Sherloc (09022015). Collection method: clinical testing. Allele origin: germline.

ARUP Laboratories, Molecular Genetics and Genomics, ARUP Laboratories
Classification: Benign. Last evaluated: 2025-04-08. Review status: criteria provided, single submitter. Criteria: ARUP Molecular Germline Variant Investigation Process 2024. Collection method: clinical testing. Allele origin: germline.

Women's Health and Genetics/Laboratory Corporation of America, LabCorp
Classification: Benign. Last evaluated: 2019-09-03. Review status: criteria provided, single submitter. Criteria: LabCorp Variant Classification Summary - May 2015. Collection method: clinical testing. Allele origin: germline.
Comment: Variant summary: CACNA1C c.371+17G>A alters a non-conserved nucleotide located close to a canonical splice site and therefore could affect mRNA splicing, leading to a significantly altered protein sequence. Several computational tools predict a significant impact on normal splicing: five predict the variant creates a 3' acceptor site. However, these predictions have yet to be confirmed by functional studies. The variant allele was found at a frequency of 0.0023 in 274692 control chromosomes, predominantly within the African or African-American subpopulation at a frequency of 0.025, including 11 homozygotes (gnomAD). The observed variant frequency within African or African-American control individuals in the gnomAD database is well above the estimated maximal expected allele frequency for a pathogenic variant in CACNA1C causing Arrhythmia phenotype (1e-05), strongly suggesting that the variant is a benign polymorphism found primarily in populations of African or African-American origin. To our knowledge, no occurrence of c.371+17G>A in individuals affected with Arrhythmia and no experimental evidence demonstrating its impact on protein function have been reported. No clinical diagnostic laboratories have submitted clinical-significance assessments for this variant to ClinVar after 2014. Based on the evidence outlined above, the variant was classified as benign.

GeneDx
Classification: Benign. Last evaluated: 2013-08-04. Review status: criteria provided, single submitter. Criteria: GeneDx Variant Classification (06012015). Collection method: clinical testing. Allele origin: germline. Affected: yes.
Comment: This variant is considered likely benign or benign based on one or more of the following criteria: it is a conservative change, it occurs at a poorly conserved position in the protein, it is predicted to be benign by multiple in silico algorithms, and/or has population frequency not consistent with disease.